The following is an entry in ClinVar:

NM_000326.5(RLBP1):c.20C>T (p.Thr7Met)

Gene: RLBP1 (retinaldehyde binding protein 1; minus strand). Cytogenetic location: 15q26.1.
Variant type: single nucleotide variant.
Coding change: c.20C>T on transcript NM_000326.5 (MANE Select); coding-DNA position 20, C replaced by T.
Protein change: p.Thr7Met; replaces threonine 7 with methionine.
Molecular consequence: missense variant.
Genome position (GRCh38, 1-based): chr15:89,218,686, G>A on the plus strand (C>T on the coding strand, the complement: RLBP1 is on the minus strand). VCF-style: chr15-89218686-G-A. GRCh37 (hg19) VCF-style: chr15-89761917-G-A.
Other names: c.20C>T (NM_000326.4); short protein forms T7M.
Identifiers: ClinVar variation 1412270 (VCV001412270.8), dbSNP rs143319904, ClinGen allele CA7722407.

ClinVar aggregate classification (germline): Uncertain significance. Review status: criteria provided, multiple submitters, no conflicts (2 of 4 stars). 2 submissions from 2 submitters: Uncertain significance (2). Last evaluated 2025-08-14.

Conditions:
Inborn genetic diseases. Identifiers: MedGen C0950123, MeSH D030342.

Allele frequency attached by ClinVar (database versions not stated): ExAC 0.00002; TOPMed 0.00005; gnomAD 0.00006; ESP Exome Variant Server 0.00008.
gnomAD v4.1: 138 of 1,614,020 alleles (0.0086%); highest among the groups gnomAD compares: Non-Finnish European, 0.011%; no homozygotes.

Submissions (2):

Ambry Genetics
Classification: Uncertain significance for Inborn genetic diseases. Last evaluated: 2025-08-14. Review status: criteria provided, single submitter. Criteria: Ambry Variant Classification Scheme 2023. Collection method: clinical testing. Allele origin: germline.

Labcorp Genetics (formerly Invitae), Labcorp
Classification: Uncertain significance. Last evaluated: 2024-07-24. Review status: criteria provided, single submitter. Criteria: Invitae Variant Classification Sherloc (09022015). Collection method: clinical testing. Allele origin: germline.
Comment: This sequence change replaces threonine, which is neutral and polar, with methionine, which is neutral and non-polar, at codon 7 of the RLBP1 protein (p.Thr7Met). This variant is present in population databases (rs143319904, gnomAD 0.006%). This variant has not been reported in the literature in individuals affected with RLBP1-related conditions. ClinVar contains an entry for this variant (Variation ID: 1412270). An algorithm developed to predict the effect of missense changes on protein structure and function (PolyPhen-2) suggests that this variant is likely to be disruptive. In summary, the available evidence is currently insufficient to determine the role of this variant in disease. Therefore, it has been classified as a Variant of Uncertain Significance.